The following is an entry in ClinVar:

NM_001379500.1(COL18A1):c.1667G>A (p.Gly556Asp)

Gene: COL18A1 (collagen type XVIII alpha 1 chain; plus strand). Cytogenetic location: 21q22.3.
Variant type: single nucleotide variant.
Coding change: c.1667G>A on transcript NM_001379500.1 (MANE Select); coding-DNA position 1667, G replaced by A.
Protein change: p.Gly556Asp; replaces glycine 556 with aspartic acid.
Molecular consequence: missense variant.
Genome position (GRCh38, 1-based): chr21:45,482,018, G>A. VCF-style: chr21-45482018-G-A. GRCh37 (hg19) VCF-style: chr21-46901932-G-A.
Other names: c.2207G>A, p.Gly736Asp (NM_030582.4); c.2912G>A, p.Gly971Asp (NM_130444.3); short protein forms G736D, G556D, G971D.
Identifiers: ClinVar variation 1422538 (VCV001422538.6), dbSNP rs903635422, ClinGen allele CA321917663.

ClinVar aggregate classification (germline): Uncertain significance (1 of 4 stars; one submission).

Allele frequency attached by ClinVar (database versions not stated): gnomAD exomes below 0.00001; gnomAD 0.00001 and 0.00003; TOPMed 0.00002.
gnomAD v4.1: 9 of 1,613,254 alleles (0.00056%); highest among the groups gnomAD compares: Admixed American, 0.0017%; no homozygotes.

Submission:

Labcorp Genetics (formerly Invitae), Labcorp
Classification: Uncertain significance. Last evaluated: 2020-12-30. Review status: criteria provided, single submitter. Criteria: Invitae Variant Classification Sherloc (09022015). Collection method: clinical testing. Allele origin: germline.
Comment: In summary, the available evidence is currently insufficient to determine the role of this variant in disease. Therefore, it has been classified as a Variant of Uncertain Significance. Experimental studies and prediction algorithms are not available or were not evaluated, and the functional significance of this variant is currently unknown. This variant has not been reported in the literature in individuals with COL18A1-related conditions. This variant is not present in population databases (ExAC no frequency). This sequence change replaces glycine with aspartic acid at codon 556 of the COL18A1 protein (p.Gly556Asp). The glycine residue is moderately conserved and there is a moderate physicochemical difference between glycine and aspartic acid.